The following is an entry in ClinVar:

NM_138694.4(PKHD1):c.7635C>G (p.Thr2545=)

Gene: PKHD1 (PKHD1 ciliary IPT domain containing fibrocystin/polyductin; minus strand). Cytogenetic location: 6p12.2.
Variant type: single nucleotide variant.
Coding change: c.7635C>G on transcript NM_138694.4 (MANE Select); coding-DNA position 7635, C replaced by G.
Protein change: p.Thr2545=; no amino-acid change (threonine 2545 retained).
Molecular consequence: synonymous variant.
Genome position (GRCh38, 1-based): chr6:51,867,961, G>C on the plus strand (C>G on the coding strand, the complement: PKHD1 is on the minus strand). VCF-style: chr6-51867961-G-C. GRCh37 (hg19) VCF-style: chr6-51732759-G-C.
Other names: c.7635C>G, p.Thr2545= (NM_170724.3).
Identifiers: ClinVar variation 357428 (VCV000357428.17), dbSNP rs779757789, ClinGen allele CA3851884.

ClinVar aggregate classification (germline): Conflicting classifications of pathogenicity. Review status: criteria provided, conflicting classifications (1 of 4 stars). 3 submissions from 3 submitters: Uncertain significance (1); Likely benign (1). 1 of the submissions does not count toward it. Last evaluated 2023-10-20.

Conditions:
PKHD1-related disorder. Also called: PKHD1-related condition.
Autosomal recessive polycystic kidney disease (ARPKD). Also called: AR polycystic kidney disease. Identifiers: Orphanet 731, Orphanet 8378, MedGen C0085548, MeSH D017044, MONDO:0009889.

Allele frequency attached by ClinVar (database versions not stated): TOPMed 0.00001.
gnomAD v4.1: 18 of 1,613,220 alleles (0.0011%); highest among the groups gnomAD compares: Admixed American, 0.0017%; no homozygotes.

Submissions (3):

Labcorp Genetics (formerly Invitae), Labcorp
Classification: Likely benign for Autosomal recessive polycystic kidney disease. Last evaluated: 2023-10-20. Review status: criteria provided, single submitter. Criteria: Invitae Variant Classification Sherloc (09022015). Collection method: clinical testing. Allele origin: germline.

Illumina Laboratory Services, Illumina
Classification: Uncertain significance for Polycystic kidney disease 4. Last evaluated: 2018-01-12. Review status: criteria provided, single submitter. Criteria: ICSL Variant Classification Criteria 13 December 2019. Collection method: clinical testing. Allele origin: germline.

PreventionGenetics, part of Exact Sciences
Classification: Likely benign for PKHD1-related condition. Last evaluated: 2024-08-26. Review status: no assertion criteria provided. Collection method: clinical testing. Allele origin: germline. Not counted in ClinVar's aggregate classification.
Comment: This variant is classified as likely benign based on ACMG/AMP sequence variant interpretation guidelines (Richards et al. 2015 PMID: 25741868, with internal and published modifications).